The following is an entry in ClinVar:

NM_001048174.2(MUTYH):c.162C>G (p.Ser54=)

Gene: MUTYH (mutY DNA glycosylase; minus strand). Cytogenetic location: 1p34.1.
Variant type: single nucleotide variant.
Coding change: c.162C>G on transcript NM_001048174.2 (MANE Select); coding-DNA position 162, C replaced by G.
Protein change: p.Ser54=; no amino-acid change (serine 54 retained).
Molecular consequence: synonymous variant. On other transcripts: 5 prime UTR variant (1), non-coding transcript variant (5), intron variant (5).
Genome position (GRCh38, 1-based): chr1:45,333,515, G>C on the plus strand (C>G on the coding strand, the complement: MUTYH is on the minus strand). VCF-style: chr1-45333515-G-C. GRCh37 (hg19) VCF-style: chr1-45799187-G-C.
Other names: c.162C>G, p.Ser54= (NM_001048171.2, NM_001048173.2, NM_001293195.2 and 6 more transcripts); c.165C>G, p.Ser55= (NM_001048172.2, NM_001407071.1, NM_001407078.1 and 2 more transcripts); c.246C>G, p.Ser82= (NM_001128425.2); c.207C>G, p.Ser69= (NM_001293190.2); c.195C>G, p.Ser65= (NM_001293191.2, NM_001407077.1); c.-110C>G (NM_001350650.2); c.237C>G, p.Ser79= (NM_001407069.1, NM_012222.3); c.204C>G, p.Ser68= (NM_001407073.1, NM_001407083.1, NM_001407085.1); and 4 more.
Identifiers: ClinVar variation 3400149 (VCV003400149.1).

ClinVar aggregate classification (germline): Uncertain significance (1 of 4 stars; one submission).

Conditions:
Hereditary cancer-predisposing syndrome. Also called: Hereditary Cancer Syndrome; Tumor predisposition; Hereditary neoplastic syndrome; Neoplastic Syndromes, Hereditary. Identifiers: Orphanet 140162, MedGen C0027672, MeSH D009386, MONDO:0015356.

Submission:

Ambry Genetics
Classification: Uncertain significance for Hereditary cancer-predisposing syndrome. Last evaluated: 2024-10-10. Review status: criteria provided, single submitter. Criteria: Ambry Variant Classification Scheme 2023. Collection method: clinical testing. Allele origin: germline.
Comment: The c.246C>G variant (also known as p.S82S), located in coding exon 3 of the MUTYH gene, results from a C to G substitution at nucleotide position 246. This nucleotide substitution does not change the serine at codon 82. This nucleotide position is not well conserved in available vertebrate species. In silico splice site analysis for this alteration is inconclusive. Based on the available evidence, the clinical significance of this variant remains unclear.